The following is an entry in ClinVar:

NM_001347721.2(DYRK1A):c.146G>A (p.Ser49Asn)

Gene: DYRK1A (dual specificity tyrosine phosphorylation regulated kinase 1A; plus strand). Cytogenetic location: 21q22.13.
Variant type: single nucleotide variant.
Coding change: c.146G>A on transcript NM_001347721.2 (MANE Select); coding-DNA position 146, G replaced by A.
Protein change: p.Ser49Asn; replaces serine 49 with asparagine.
Molecular consequence: missense variant.
Genome position (GRCh38, 1-based): chr21:37,472,819, G>A. VCF-style: chr21-37472819-G-A. GRCh37 (hg19) VCF-style: chr21-38845121-G-A.
Other names: c.146G>A, p.Ser49Asn (NM_001347722.2, NM_001396.5, NM_101395.2 and 2 more transcripts); c.59G>A, p.Ser20Asn (NM_001347723.2); short protein forms S20N, S49N.
Identifiers: ClinVar variation 4752347 (VCV004752347.1).

ClinVar aggregate classification (germline): Uncertain significance (1 of 4 stars; one submission).

Conditions:
DYRK1A-related intellectual disability syndrome (MRD7). Also called: DYRK1A Syndrome; Intellectual developmental disorder, autosomal dominant 7. Identifiers: Orphanet 464306, MedGen C5568143, MONDO:0013578, OMIM 614104.

Submission:

Labcorp Genetics (formerly Invitae), Labcorp
Classification: Uncertain significance for DYRK1A-related intellectual disability syndrome. Last evaluated: 2025-08-03. Review status: criteria provided, single submitter. Criteria: Invitae Variant Classification Sherloc (09022015). Collection method: clinical testing. Allele origin: germline.
Comment: This sequence change replaces serine, which is neutral and polar, with asparagine, which is neutral and polar, at codon 49 of the DYRK1A protein (p.Ser49Asn). This variant is not present in population databases (gnomAD no frequency). This variant has not been reported in the literature in individuals affected with DYRK1A-related conditions. Invitae Evidence Modeling of protein sequence and biophysical properties (such as structural, functional, and spatial information, amino acid conservation, physicochemical variation, residue mobility, and thermodynamic stability) indicates that this missense variant is not expected to disrupt DYRK1A protein function with a negative predictive value of 95%. In summary, the available evidence is currently insufficient to determine the role of this variant in disease. Therefore, it has been classified as a Variant of Uncertain Significance.